The following is an entry in ClinVar:

ClinVar aggregate classification (germline): Benign/Likely benign. Review status: criteria provided, multiple submitters, no conflicts (2 of 4 stars). 2 submissions from 2 submitters: Benign (1); Likely benign (1). Last evaluated 2024-11-14.

Conditions:
Hereditary cancer-predisposing syndrome. Also called: Neoplastic Syndromes, Hereditary; Tumor predisposition; Hereditary Cancer Syndrome; Hereditary neoplastic syndrome. Identifiers: Orphanet 140162, MedGen C0027672, MeSH D009386, MONDO:0015356.
Papillary renal cell carcinoma type 1 (RCCP1). Also called: RENAL CELL CARCINOMA, PAPILLARY, 1, SOMATIC; Renal adenocarcinoma; Renal cell carcinoma 1; Renal cell carcinoma, somatic. Identifiers: Orphanet 47044, MedGen C1336839, OMIM 605074, HP:0011797.

Allele frequency attached by ClinVar (database versions not stated): gnomAD exomes below 0.00001.
gnomAD v4.1: 5 of 1,614,192 alleles (0.00031%); highest among the groups gnomAD compares: Non-Finnish European, 0.00034%; no homozygotes.

Submissions (2):

Myriad Genetics, Inc.
Classification: Benign for Papillary renal cell carcinoma type 1. Last evaluated: 2024-11-14. Review status: criteria provided, single submitter. Criteria: Myriad Autosomal Dominant, Autosomal Recessive and X-Linked Classification Criteria (2023). Collection method: clinical testing. Allele origin: unknown.
Comment: This variant is considered benign. This variant is a silent/synonymous amino acid change and it is not expected to impact splicing.

Ambry Genetics
Classification: Likely benign for Hereditary cancer-predisposing syndrome. Last evaluated: 2020-09-04. Review status: criteria provided, single submitter. Criteria: Ambry Variant Classification Scheme 2023. Collection method: clinical testing. Allele origin: germline.

NM_000245.4(MET):c.3708T>C (p.Ser1236=)

Gene: MET (MET proto-oncogene, receptor tyrosine kinase; plus strand). Cytogenetic location: 7q31.2.
Variant type: single nucleotide variant.
Coding change: c.3708T>C on transcript NM_000245.4 (MANE Select); coding-DNA position 3708, T replaced by C.
Protein change: p.Ser1236=; no amino-acid change (serine 1236 retained).
Molecular consequence: synonymous variant.
Genome position (GRCh38, 1-based): chr7:116,783,379, T>C. VCF-style: chr7-116783379-T-C. GRCh37 (hg19) VCF-style: chr7-116423433-T-C.
Other names: c.3762T>C, p.Ser1254= (NM_001127500.3); c.2418T>C, p.Ser806= (NM_001324402.2).
Identifiers: ClinVar variation 1734695 (VCV001734695.3), dbSNP rs2117066371, ClinGen allele CA457219457.